The following is an entry in ClinVar:

ClinVar aggregate classification (germline): Conflicting classifications of pathogenicity. Review status: criteria provided, conflicting classifications (1 of 4 stars). 2 submissions from 2 submitters: Likely pathogenic (1); Uncertain significance (1). Last evaluated 2026-02-04.

Conditions:
Marfan syndrome (MFS). Also called: MARFAN SYNDROME, TYPE I; FBN1-Related Marfan Syndrome; Marfan syndrome, classic; Marfan syndrome type 1; Marfan's syndrome. Identifiers: Orphanet 284963, Orphanet 558, MedGen C0024796, MONDO:0007947, OMIM 154700.
Familial thoracic aortic aneurysm and aortic dissection (TAAD). Also called: Thoracic aortic aneurysms and dissections. Identifiers: Orphanet 91387, MedGen C4707243, MONDO:0019625.

Submissions (2):

Ambry Genetics
Classification: Likely pathogenic for Familial thoracic aortic aneurysm and aortic dissection. Last evaluated: 2026-02-04. Review status: criteria provided, single submitter. Criteria: Ambry Variant Classification Scheme 2023. Collection method: clinical testing. Allele origin: germline.
Comment: The p.E1651K variant (also known as c.4951G>A), located in coding exon 40 of the FBN1 gene, results from a G to A substitution at nucleotide position 4951. The glutamic acid at codon 1651 is replaced by lysine, an amino acid with similar properties. This variant was reported in individual(s) with features consistent with Marfan syndrome (Ambry internal data; external communication). This variant alters a conserved residue in the calcium-binding consensus sequence of a cbEGF domain and is expected to disrupt FBN1 function (Handford PA et al. Nature. 1991; 351(6322):164-7.). This amino acid position is highly conserved in available vertebrate species. In addition, this alteration is predicted to be deleterious by in silico analysis. This variant is considered to be rare based on population cohorts in the Genome Aggregation Database (gnomAD). Based on the majority of available evidence to date, this variant is likely to be pathogenic.

Labcorp Genetics (formerly Invitae), Labcorp
Classification: Uncertain significance for Marfan syndrome; Familial thoracic aortic aneurysm and aortic dissection. Last evaluated: 2020-06-16. Review status: criteria provided, single submitter. Criteria: Invitae Variant Classification Sherloc (09022015). Collection method: clinical testing. Allele origin: germline.
Comment: This sequence change replaces glutamic acid with lysine at codon 1651 of the FBN1 protein (p.Glu1651Lys). The glutamic acid residue is highly conserved and there is a small physicochemical difference between glutamic acid and lysine. This variant is not present in population databases (ExAC no frequency). ClinVar contains an entry for this variant (Variation ID: 264424). Algorithms developed to predict the effect of missense changes on protein structure and function are either unavailable or do not agree on the potential impact of this missense change (SIFT: "Tolerated"; PolyPhen-2: "Probably Damaging"; Align-GVGD: "Class C0"). In summary, the available evidence is currently insufficient to determine the role of this variant in disease. Therefore, it has been classified as a Variant of Uncertain Significance.

NM_000138.5(FBN1):c.4951G>A (p.Glu1651Lys)

Gene: FBN1 (fibrillin 1; minus strand). Cytogenetic location: 15q21.1.
Variant type: single nucleotide variant.
Coding change: c.4951G>A on transcript NM_000138.5 (MANE Select); coding-DNA position 4951, G replaced by A.
Protein change: p.Glu1651Lys; replaces glutamic acid 1651 with lysine.
Molecular consequence: missense variant.
Genome position (GRCh38, 1-based): chr15:48,464,013, C>T on the plus strand (G>A on the coding strand, the complement: FBN1 is on the minus strand). VCF-style: chr15-48464013-C-T. GRCh37 (hg19) VCF-style: chr15-48756210-C-T.
Other names: short protein forms E1651K.
Identifiers: ClinVar variation 264424 (VCV000264424.16), dbSNP rs886039152, ClinGen allele CA10587828.